The following is an entry in ClinVar:

ClinVar aggregate classification (germline): Likely benign. Review status: criteria provided, multiple submitters, no conflicts (2 of 4 stars). 3 submissions from 3 submitters: Likely benign (3). Last evaluated 2025-11-01.

Allele frequency attached by ClinVar (database versions not stated): ExAC 0.00123; ESP Exome Variant Server 0.00169; gnomAD 0.00214 and 0.00218; TOPMed 0.00230; 1000 Genomes Project 30x 0.00312; 1000 Genomes Project 0.00319; gnomAD exomes 0.00063.
gnomAD v4.1: 906 of 1,610,694 alleles (0.056%); highest among the groups gnomAD compares: African/African-American, 0.69%; 3 homozygotes.

Submissions (3):

CeGaT Center for Human Genetics Tuebingen
Classification: Likely benign. Last evaluated: 2025-11-01. Review status: criteria provided, single submitter. Criteria: CeGaT Center For Human Genetics Tuebingen Variant Classification Criteria Version 2. Collection method: clinical testing. Allele origin: germline. Affected: yes. Observed: 2 variant alleles.
Comment: SRRM2: BP4, BS1

Blueprint Genetics
Classification: Likely benign. Last evaluated: 2024-11-26. Review status: criteria provided, single submitter. Criteria: ACMG Guidelines, 2015. Collection method: clinical testing. Allele origin: germline.

Labcorp Genetics (formerly Invitae), Labcorp
Classification: Likely benign. Last evaluated: 2019-12-31. Review status: criteria provided, single submitter. Criteria: Invitae Variant Classification Sherloc (09022015). Collection method: clinical testing. Allele origin: germline.

NM_016333.4(SRRM2):c.8098C>T (p.Arg2700Cys)

Gene: SRRM2 (serine/arginine repetitive matrix 2; plus strand). Cytogenetic location: 16p13.3.
Variant type: single nucleotide variant.
Coding change: c.8098C>T on transcript NM_016333.4 (MANE Select); coding-DNA position 8098, C replaced by T.
Protein change: p.Arg2700Cys; replaces arginine 2700 with cysteine.
Molecular consequence: missense variant.
Genome position (GRCh38, 1-based): chr16:2,770,428, C>T. VCF-style: chr16-2770428-C-T. GRCh37 (hg19) VCF-style: chr16-2820429-C-T.
Other names: short protein forms R2700C.
Identifiers: ClinVar variation 711957 (VCV000711957.18), dbSNP rs116681042, ClinGen allele CA7849462.
Genomic context (GRCh38, chr16:2,770,428, plus strand): 5'-AAGCCAATAGACTCCCTCAGGGACTCTCGGTCCCTCAGCTACTCGCCTGTGGAGCGTCGC[C>T]GTCCCTCGCCCCAGCCCTCACCACGGGACCAGCAGAGGTAAGGCCAACTGCAGGTGTCAG-3'
Protein context (NP_057417.3, residues 2690-2710): SLSYSPVERR[Arg2700Cys]PSPQPSPRDQ